The following is an entry in ClinVar:

NM_000493.4(COL10A1):c.64G>A (p.Ala22Thr)

Genes: COL10A1 (collagen type X alpha 1 chain; minus strand), NT5DC1 (5'-nucleotidase domain containing 1; plus strand). Cytogenetic location: 6q22.1.
Variant type: single nucleotide variant.
Coding change: c.64G>A on transcript NM_000493.4 (MANE Select); coding-DNA position 64, G replaced by A.
Protein change: p.Ala22Thr; replaces alanine 22 with threonine.
Molecular consequence: missense variant. On other transcripts: intron variant (1).
Genome position (GRCh38, 1-based): chr6:116,125,429, C>T on the plus strand (G>A on the coding strand, the complement: COL10A1 is on the minus strand). VCF-style: chr6-116125429-C-T. GRCh37 (hg19) VCF-style: chr6-116446592-C-T.
Other names: c.64G>A, p.Ala22Thr (NM_001424106.1, NM_001424107.1); c.529+7484C>T (NM_152729.3); short protein forms A22T.
Identifiers: ClinVar variation 2396893 (VCV002396893.4), dbSNP rs767889462, ClinGen allele CA3968510.

ClinVar aggregate classification (germline): Uncertain significance. Review status: criteria provided, multiple submitters, no conflicts (2 of 4 stars). 2 submissions from 2 submitters: Uncertain significance (2). Last evaluated 2025-11-08.

Conditions:
Inborn genetic diseases. Identifiers: MedGen C0950123, MeSH D030342.

Allele frequency attached by ClinVar (database versions not stated): gnomAD 0.00003; gnomAD exomes 0.00003; ExAC 0.00004; TOPMed 0.00006.
gnomAD v4.1: 54 of 1,613,582 alleles (0.0033%); highest among the groups gnomAD compares: South Asian, 0.024%; no homozygotes.

Submissions (2):

Labcorp Genetics (formerly Invitae), Labcorp
Classification: Uncertain significance. Last evaluated: 2025-11-08. Review status: criteria provided, single submitter. Criteria: Invitae Variant Classification Sherloc (09022015). Collection method: clinical testing. Allele origin: germline.
Comment: This sequence change replaces alanine, which is neutral and non-polar, with threonine, which is neutral and polar, at codon 22 of the COL10A1 protein (p.Ala22Thr). This variant is present in population databases (rs767889462, gnomAD 0.06%). This variant has not been reported in the literature in individuals affected with COL10A1-related conditions. ClinVar contains an entry for this variant (Variation ID: 2396893). An algorithm developed to predict the effect of missense changes on protein structure and function outputs the following: PolyPhen-2: "Not Available". The threonine amino acid residue is found in multiple mammalian species, which suggests that this missense change does not adversely affect protein function. In summary, the available evidence is currently insufficient to determine the role of this variant in disease. Therefore, it has been classified as a Variant of Uncertain Significance.

Ambry Genetics
Classification: Uncertain significance for Inborn genetic diseases. Last evaluated: 2025-03-27. Review status: criteria provided, single submitter. Criteria: Ambry Variant Classification Scheme 2023. Collection method: clinical testing. Allele origin: germline.